The following is an entry in ClinVar:

NM_018124.4(RFWD3):c.163C>G (p.Pro55Ala)

Gene: RFWD3 (ring finger and WD repeat domain 3; minus strand). Cytogenetic location: 16q23.1.
Variant type: single nucleotide variant.
Coding change: c.163C>G on transcript NM_018124.4 (MANE Select); coding-DNA position 163, C replaced by G.
Protein change: p.Pro55Ala; replaces proline 55 with alanine.
Molecular consequence: missense variant. On other transcripts: 5 prime UTR variant (4), intron variant (1).
Genome position (GRCh38, 1-based): chr16:74,661,287, G>C on the plus strand (C>G on the coding strand, the complement: RFWD3 is on the minus strand). VCF-style: chr16-74661287-G-C. GRCh37 (hg19) VCF-style: chr16-74695185-G-C.
Other names: c.-469C>G (NM_001370539.1, NM_001370541.1); c.-723C>G (NM_001370542.1); c.-601C>G (NM_001370543.1); c.-317+3337C>G (NM_001370540.1); c.163C>G, p.Pro55Ala (NM_001370534.1, NM_001370535.1, NM_001370536.1); c.-846C>G (NM_001370537.1); short protein forms P55A.
Identifiers: ClinVar variation 2320847 (VCV002320847.5), dbSNP rs765021943, ClinGen allele CA8169632.

ClinVar aggregate classification (germline): Uncertain significance. Review status: criteria provided, multiple submitters, no conflicts (2 of 4 stars). 2 submissions from 2 submitters: Uncertain significance (2). Last evaluated 2024-10-29.

Allele frequency attached by ClinVar (database versions not stated): gnomAD 0.00001; ExAC 0.00002; TOPMed 0.00002.
gnomAD v4.1: 17 of 1,614,058 alleles (0.0011%); highest among the groups gnomAD compares: Admixed American, 0.027%; no homozygotes.

Submissions (2):

Labcorp Genetics (formerly Invitae), Labcorp
Classification: Uncertain significance. Last evaluated: 2024-10-29. Review status: criteria provided, single submitter. Criteria: Invitae Variant Classification Sherloc (09022015). Collection method: clinical testing. Allele origin: germline.
Comment: This sequence change replaces proline, which is neutral and non-polar, with alanine, which is neutral and non-polar, at codon 55 of the RFWD3 protein (p.Pro55Ala). This variant is present in population databases (rs765021943, gnomAD 0.02%). This variant has not been reported in the literature in individuals affected with RFWD3-related conditions. ClinVar contains an entry for this variant (Variation ID: 2320847). An algorithm developed to predict the effect of missense changes on protein structure and function (PolyPhen-2) suggests that this variant is likely to be tolerated. In summary, the available evidence is currently insufficient to determine the role of this variant in disease. Therefore, it has been classified as a Variant of Uncertain Significance.

Ambry Genetics
Classification: Uncertain significance. Last evaluated: 2022-10-26. Review status: criteria provided, single submitter. Criteria: Ambry Variant Classification Scheme 2023. Collection method: clinical testing. Allele origin: germline.